The following is an entry in ClinVar:

NM_177438.3(DICER1):c.1071A>C (p.Ala357=)

Gene: DICER1 (dicer 1, ribonuclease III; minus strand). Cytogenetic location: 14q32.13.
Variant type: single nucleotide variant.
Coding change: c.1071A>C on transcript NM_177438.3 (MANE Select); coding-DNA position 1071, A replaced by C.
Protein change: p.Ala357=; no amino-acid change (alanine 357 retained).
Molecular consequence: synonymous variant.
Genome position (GRCh38, 1-based): chr14:95,124,501, T>G on the plus strand (A>C on the coding strand, the complement: DICER1 is on the minus strand). VCF-style: chr14-95124501-T-G. GRCh37 (hg19) VCF-style: chr14-95590838-T-G.
Other names: c.1071A>C, p.Ala357= (NM_001195573.1, NM_001271282.3, NM_001291628.2 and 1 more transcripts).
Identifiers: ClinVar variation 417090 (VCV000417090.15), dbSNP rs1044861195, ClinGen allele CA16614275.

ClinVar aggregate classification (germline): Benign/Likely benign. Review status: criteria provided, multiple submitters, no conflicts (2 of 4 stars). 3 submissions from 3 submitters: Benign (1); Likely benign (2). Last evaluated 2026-04-15.

Conditions:
DICER1-related tumor predisposition. Also called: DICER1-related pleuropulmonary blastoma cancer predisposition syndrome; DICER1 syndrome. Identifiers: Orphanet 284343, MedGen C3839822, MONDO:0100216.
Hereditary cancer-predisposing syndrome. Also called: Hereditary Cancer Syndrome; Neoplastic Syndromes, Hereditary; Hereditary neoplastic syndrome; Tumor predisposition. Identifiers: Orphanet 140162, MedGen C0027672, MeSH D009386, MONDO:0015356.

Submissions (3):

Myriad Genetics, Inc.
Classification: Benign for DICER1-related tumor predisposition. Last evaluated: 2026-04-15. Review status: criteria provided, single submitter. Criteria: Myriad Autosomal Dominant, Autosomal Recessive and X-Linked Classification Criteria (2023). Collection method: clinical testing. Allele origin: unknown.
Comment: This variant is considered benign. This variant is a silent/synonymous amino acid change and it is not expected to impact splicing.

Labcorp Genetics (formerly Invitae), Labcorp
Classification: Likely benign for DICER1-related tumor predisposition. Last evaluated: 2025-01-14. Review status: criteria provided, single submitter. Criteria: Invitae Variant Classification Sherloc (09022015). Collection method: clinical testing. Allele origin: germline.

Ambry Genetics
Classification: Likely benign for Hereditary cancer-predisposing syndrome. Last evaluated: 2018-06-08. Review status: criteria provided, single submitter. Criteria: Ambry Variant Classification Scheme 2023. Collection method: clinical testing. Allele origin: germline.